The following is an entry in ClinVar:

NM_004237.4(TRIP13):c.532C>T (p.His178Tyr)

Gene: TRIP13 (thyroid hormone receptor interactor 13; plus strand). Cytogenetic location: 5p15.33.
Variant type: single nucleotide variant.
Coding change: c.532C>T on transcript NM_004237.4 (MANE Select); coding-DNA position 532, C replaced by T.
Protein change: p.His178Tyr; replaces histidine 178 with tyrosine.
Molecular consequence: missense variant.
Genome position (GRCh38, 1-based): chr5:901,428, C>T. VCF-style: chr5-901428-C-T. GRCh37 (hg19) VCF-style: chr5-901543-C-T.
Other names: c.532C>T, p.His178Tyr (NM_001166260.2); short protein forms H178Y.
Identifiers: ClinVar variation 3691044 (VCV003691044.2).
Genomic context (GRCh38, chr5:901,428, plus strand): 5'-CTGTTTTCAGACAAGAACGTCAACAGCAACCTCATCACCTGGAACCGGGTGGTGCTGCTC[C>T]ACGGTAAATTATGCAGGCTTTTATTTGACCAGATAAGTGGCATGAAATTTAGCCTTTACT-3'
Protein context (NP_004228.1, residues 168-188): LITWNRVVLL[His178Tyr]GPPGTGKTSL

ClinVar aggregate classification (germline): Uncertain significance (1 of 4 stars; one submission).

gnomAD v4.1: 55 of 1,613,948 alleles (0.0034%); highest among the groups gnomAD compares: East Asian, 0.12%; no homozygotes.

Submission:

Labcorp Genetics (formerly Invitae), Labcorp
Classification: Uncertain significance. Last evaluated: 2024-09-04. Review status: criteria provided, single submitter. Criteria: Invitae Variant Classification Sherloc (09022015). Collection method: clinical testing. Allele origin: germline.
Comment: This sequence change replaces histidine, which is basic and polar, with tyrosine, which is neutral and polar, at codon 178 of the TRIP13 protein (p.His178Tyr). This variant is present in population databases (rs149516370, gnomAD 0.01%). This variant has not been reported in the literature in individuals affected with TRIP13-related conditions. An algorithm developed to predict the effect of missense changes on protein structure and function (PolyPhen-2) suggests that this variant is likely to be disruptive. In summary, the available evidence is currently insufficient to determine the role of this variant in disease. Therefore, it has been classified as a Variant of Uncertain Significance.